The following is an entry in ClinVar:

NM_001321133.2(GOSR2):c.583+10263G>A

Genes: GOSR2 (golgi SNAP receptor complex member 2; plus strand), LRRC37A2 (leucine rich repeat containing 37 member A2). Cytogenetic location: 17q21.32.
Variant type: single nucleotide variant.
Coding change: c.583+10263G>A on transcript NM_001321133.2; 10263 bases into the intron after coding-DNA position 583, G replaced by A.
Molecular consequence: intron variant.
Genome position (GRCh38, 1-based): chr17:46,948,967, G>A. VCF-style: chr17-46948967-G-A. GRCh37 (hg19) VCF-style: chr17-45026333-G-A.
Identifiers: ClinVar variation 3256855 (VCV003256855.2).

ClinVar aggregate classification (germline): Benign (1 of 4 stars; one submission).

gnomAD v4.1: 67,691 of 152,122 alleles (44%); highest among the groups gnomAD compares: South Asian, 52%; 15,309 homozygotes.

Submission:

Unidad de Genómica Garrahan, Hospital de Pediatría Garrahan
Classification: Benign. Last evaluated: 2024-07-31. Review status: criteria provided, single submitter. Criteria: ACMG Guidelines, 2015. Collection method: clinical testing. Allele origin: germline. Affected: no. Observed: 69 variant alleles.
Comment: This variant is classified as Benign based on local population frequency. This variant was detected in 74% of patients studied in a panel designed for Epileptic and Developmental Encephalopathy, Progressive Myoclonus Epilepsy and Abnormal Movements and Neurodegeneration with brain iron accumulation. Number of patients: 69. Only high quality variants are reported.